The following is an entry in ClinVar:

ClinVar aggregate classification (germline): Conflicting classifications of pathogenicity. Review status: criteria provided, conflicting classifications (1 of 4 stars). 2 submissions from 2 submitters: Likely pathogenic (1); Uncertain significance (1). Last evaluated 2026-01-12.

Conditions:
Pyridoxine-dependent epilepsy (EPEO4). Also called: PYRIDOXINE DEPENDENCY WITH SEIZURES; Pyridoxine-Dependent Epilepsy - ALDH7A1; EPILEPSY, EARLY-ONSET, 4, VITAMIN B6-DEPENDENT; Pyridoxine-Dependent Seizures. Identifiers: Orphanet 3006, MedGen C1849508, MONDO:0009945, OMIM 266100. Disease mechanism: loss of function.

Allele frequency attached by ClinVar (database versions not stated): TOPMed below 0.00001.
gnomAD v4.1: 17 of 1,613,152 alleles (0.0011%); highest among the groups gnomAD compares: East Asian, 0.013%; no homozygotes.

Submissions (2):

Labcorp Genetics (formerly Invitae), Labcorp
Classification: Likely pathogenic for Pyridoxine-dependent epilepsy. Last evaluated: 2026-01-12. Review status: criteria provided, single submitter. Criteria: Invitae Variant Classification Sherloc (09022015). Collection method: clinical testing. Allele origin: germline.
Comment: This sequence change replaces asparagine, which is neutral and polar, with serine, which is neutral and polar, at codon 301 of the ALDH7A1 protein (p.Asn301Ser). This variant is present in population databases (no rsID available, gnomAD 0.01%). This variant has not been reported in the literature in individuals affected with ALDH7A1-related conditions. ClinVar contains an entry for this variant (Variation ID: 954258). Invitae Evidence Modeling of protein sequence and biophysical properties (such as structural, functional, and spatial information, amino acid conservation, physicochemical variation, residue mobility, and thermodynamic stability) indicates that this missense variant is expected to disrupt ALDH7A1 protein function with a positive predictive value of 95%. This variant disrupts the p.Asn301 amino acid residue in ALDH7A1. Other variant(s) that disrupt this residue have been determined to be pathogenic (PMID: 17068770, 20554659, 22784480, 24664145). This suggests that this residue is clinically significant, and that variants that disrupt this residue are likely to be disease-causing. In summary, the currently available evidence indicates that the variant is pathogenic, but additional data are needed to prove that conclusively. Therefore, this variant has been classified as Likely Pathogenic.

Women's Health and Genetics/Laboratory Corporation of America, LabCorp
Classification: Uncertain significance. Last evaluated: 2025-06-17. Review status: criteria provided, single submitter. Criteria: LabCorp Variant Classification Summary - May 2015. Collection method: clinical testing. Allele origin: germline.
Comment: Variant summary: ALDH7A1 c.902A>G (p.Asn301Ser) results in a conservative amino acid change located in the Aldehyde dehydrogenase domain (IPR015590) of the encoded protein sequence. Algorithms developed to predict the effect of missense changes on protein structure and function are either unavailable or do not agree on the potential impact of this missense change. The variant allele was found at a frequency of 4e-06 in 251328 control chromosomes. The available data on variant occurrences in the general population are insufficient to allow any conclusion about variant significance. To our knowledge, no occurrence of c.902A>G in individuals affected with Pyridoxine-Dependent Epilepsy and no experimental evidence demonstrating its impact on protein function have been reported. ClinVar contains an entry for this variant (Variation ID: 954258). Based on the evidence outlined above, the variant was classified as uncertain significance.

Literature cited by the submitters: PubMed 17068770 (cited by Labcorp Genetics (formerly Invitae), Labcorp); PubMed 20554659 (cited by Labcorp Genetics (formerly Invitae), Labcorp); PubMed 22784480 (cited by Labcorp Genetics (formerly Invitae), Labcorp); PubMed 24664145 (cited by Labcorp Genetics (formerly Invitae), Labcorp).

NM_001182.5(ALDH7A1):c.902A>G (p.Asn301Ser)

Gene: ALDH7A1 (aldehyde dehydrogenase 7 family member A1; minus strand). Cytogenetic location: 5q23.2.
Variant type: single nucleotide variant.
Coding change: c.902A>G on transcript NM_001182.5 (MANE Select); coding-DNA position 902, A replaced by G.
Protein change: p.Asn301Ser; replaces asparagine 301 with serine.
Molecular consequence: missense variant.
Genome position (GRCh38, 1-based): chr5:126,561,094, T>C on the plus strand (A>G on the coding strand, the complement: ALDH7A1 is on the minus strand). VCF-style: chr5-126561094-T-C. GRCh37 (hg19) VCF-style: chr5-125896786-T-C.
Other names: c.818A>G, p.Asn273Ser (NM_001201377.2); c.902A>G, p.Asn301Ser (NM_001202404.2); short protein forms N273S, N301S.
Identifiers: ClinVar variation 954258 (VCV000954258.15), dbSNP rs121912711, ClinGen allele CA360726898.